The following is an entry in ClinVar:

ClinVar aggregate classification (germline): Likely pathogenic (1 of 4 stars; one submission).

Submission:

Mayo Clinic Laboratories, Mayo Clinic
Classification: Likely pathogenic. Last evaluated: 2024-07-02. Review status: criteria provided, single submitter. Criteria: ACMG Guidelines, 2015. Collection method: clinical testing. Allele origin: germline. Observed: 1 variant allele.
Comment: PM2, PVS1

NM_000552.5(VWF):c.5201_5202dup (p.Tyr1735fs)

Gene: VWF (von Willebrand factor; minus strand). Cytogenetic location: 12p13.31.
Variant type: Duplication.
Coding change: c.5201_5202dup on transcript NM_000552.5 (MANE Select); coding-DNA positions 5201 to 5202, 2 bases duplicated (AG; older notation c.5201_5202dupAG).
Protein change: p.Tyr1735fs; shifts the reading frame from tyrosine 1735.
Molecular consequence: frameshift variant.
Genome position (GRCh38, 1-based): chr12:6,016,625-6,016,626, CT duplicated on the plus strand (AG on the coding strand, the reverse complement: VWF is on the minus strand). VCF-style (leftmost placement, unchanged base first): chr12-6016624-A-ACT. GRCh37 (hg19) VCF-style: chr12-6125790-A-ACT.
Other names: p.Tyr1735Serfs*22; short protein forms Y1735fs.
Identifiers: ClinVar variation 3381077 (VCV003381077.1).